The following is an entry in ClinVar:

NM_001394062.1(MACF1):c.15817-2A>G

Gene: MACF1 (microtubule actin crosslinking factor 1; plus strand). Cytogenetic location: 1p34.3.
Variant type: single nucleotide variant.
Coding change: c.15817-2A>G on transcript NM_001394062.1 (MANE Select); the canonical splice acceptor site of the intron before coding-DNA position 15817, A replaced by G.
Molecular consequence: splice acceptor variant.
Genome position (GRCh38, 1-based): chr1:39,422,372, A>G. VCF-style: chr1-39422372-A-G. GRCh37 (hg19) VCF-style: chr1-39888044-A-G.
Other names: c.9631-2A>G (NM_012090.5); c.4213-2A>G (NM_001397473.1).
Identifiers: ClinVar variation 4071571 (VCV004071571.1).

ClinVar aggregate classification (germline): Uncertain significance (1 of 4 stars; one submission).

gnomAD v4.1: 3 of 1,613,360 alleles (0.00019%); highest among the groups gnomAD compares: Non-Finnish European, 0.00025%; no homozygotes.

Submission:

GeneDx
Classification: Uncertain significance. Last evaluated: 2025-01-27. Review status: criteria provided, single submitter. Criteria: GeneDx Variant Classification Process June 2021. Collection method: clinical testing. Allele origin: germline. Affected: yes.
Comment: Canonical splice site variant with an unclear effect on protein function; Has not been previously published as pathogenic or benign to our knowledge